The following is an entry in ClinVar:

NM_000548.5(TSC2):c.1279A>G (p.Ile427Val)

Gene: TSC2 (TSC complex subunit 2; plus strand). Cytogenetic location: 16p13.3.
Variant type: single nucleotide variant.
Coding change: c.1279A>G on transcript NM_000548.5 (MANE Select); coding-DNA position 1279, A replaced by G.
Protein change: p.Ile427Val; replaces isoleucine 427 with valine.
Molecular consequence: missense variant.
Genome position (GRCh38, 1-based): chr16:2,062,518, A>G. VCF-style: chr16-2062518-A-G. GRCh37 (hg19) VCF-style: chr16-2112519-A-G.
Other names: c.1279A>G, p.Ile427Val (NM_001077183.3, NM_001114382.3, NM_001363528.2 and 3 more transcripts); c.1168A>G, p.Ile390Val (NM_001318827.2); c.1132A>G, p.Ile378Val (NM_001318829.2); c.679A>G, p.Ile227Val (NM_001318831.2); c.1312A>G, p.Ile438Val (NM_001318832.2); short protein forms I227V, I378V, I390V, I427V, I438V.
Identifiers: ClinVar variation 951014 (VCV000951014.10), dbSNP rs1202399787, ClinGen allele CA394321958.
Genomic context (GRCh38, chr16:2,062,518, plus strand): 5'-GGAGGGGCAGAGGGGCAACACCGGCTCTTCTTTTGACAGGAGTCCTCCCTCCTGAACCTG[A>G]TCTCCTATAGAGCGCAGTCCATCCACCCGGCCAAGGACGGCTGGATTCAGAACCTGCAGG-3'
Protein context (NP_000539.2, residues 417-437): QRPESSLLNL[Ile427Val]SYRAQSIHPA

ClinVar aggregate classification (germline): Uncertain significance. Review status: criteria provided, multiple submitters, no conflicts (2 of 4 stars). 2 submissions from 2 submitters: Uncertain significance (2). Last evaluated 2026-04-04.

Conditions:
Hereditary cancer-predisposing syndrome. Also called: Hereditary Cancer Syndrome; Neoplastic Syndromes, Hereditary; Tumor predisposition; Hereditary neoplastic syndrome. Identifiers: Orphanet 140162, MedGen C0027672, MeSH D009386, MONDO:0015356.
Tuberous sclerosis 2 (TSC2). Identifiers: Orphanet 805, MedGen C1860707, MONDO:0013199, OMIM 613254.

Allele frequency attached by ClinVar (database versions not stated): gnomAD exomes 0.00001.
gnomAD v4.1: 6 of 1,611,868 alleles (0.00037%); highest among the groups gnomAD compares: Non-Finnish European, 0.00051%; no homozygotes.

Submissions (2):

Ambry Genetics
Classification: Uncertain significance for Hereditary cancer-predisposing syndrome. Last evaluated: 2026-04-04. Review status: criteria provided, single submitter. Criteria: Ambry Variant Classification Scheme 2023. Collection method: clinical testing. Allele origin: germline.
Comment: The p.I427V variant (also known as c.1279A>G), located in coding exon 12 of the TSC2 gene, results from an A to G substitution at nucleotide position 1279. The isoleucine at codon 427 is replaced by valine, an amino acid with highly similar properties. This amino acid position is conserved. In addition, the in silico prediction for this alteration is inconclusive. Based on the available evidence, the clinical significance of this variant remains unclear.

Labcorp Genetics (formerly Invitae), Labcorp
Classification: Uncertain significance for Tuberous sclerosis 2. Last evaluated: 2025-02-18. Review status: criteria provided, single submitter. Criteria: Invitae Variant Classification Sherloc (09022015). Collection method: clinical testing. Allele origin: germline.
Comment: This sequence change replaces isoleucine, which is neutral and non-polar, with valine, which is neutral and non-polar, at codon 427 of the TSC2 protein (p.Ile427Val). This variant is not present in population databases (gnomAD no frequency). This variant has not been reported in the literature in individuals affected with TSC2-related conditions. ClinVar contains an entry for this variant (Variation ID: 951014). Invitae Evidence Modeling of protein sequence and biophysical properties (such as structural, functional, and spatial information, amino acid conservation, physicochemical variation, residue mobility, and thermodynamic stability) indicates that this missense variant is not expected to disrupt TSC2 protein function with a negative predictive value of 95%. In summary, the available evidence is currently insufficient to determine the role of this variant in disease. Therefore, it has been classified as a Variant of Uncertain Significance.